The following is an entry in ClinVar:

NM_001201543.2(FAM161A):c.262del (p.Ile88fs)

Gene: FAM161A (FAM161 centrosomal protein A; minus strand). Cytogenetic location: 2p15.
Variant type: Deletion.
Coding change: c.262del on transcript NM_001201543.2 (MANE Select); coding-DNA position 262, one base deleted (A; older notation c.262delA).
Protein change: p.Ile88fs; shifts the reading frame from isoleucine 88.
Molecular consequence: frameshift variant. On other transcripts: non-coding transcript variant (1).
Genome position (GRCh38, 1-based): chr2:61,842,282, T deleted on the plus strand (A on the coding strand, the reverse complement: FAM161A is on the minus strand). VCF-style (leftmost placement, unchanged base first): chr2-61842281-AT-A. GRCh37 (hg19) VCF-style: chr2-62069416-AT-A.
Other names: c.262del, p.Ile88fs (NM_032180.3); short protein forms I88fs.
Identifiers: ClinVar variation 1455930 (VCV001455930.6), dbSNP rs2105086979, ClinGen allele CA2573135012.

ClinVar aggregate classification (germline): Pathogenic (1 of 4 stars; one submission).

Allele frequency attached by ClinVar (database versions not stated): gnomAD exomes below 0.00001.

Submission:

Labcorp Genetics (formerly Invitae), Labcorp
Classification: Pathogenic. Last evaluated: 2021-03-31. Review status: criteria provided, single submitter. Criteria: Invitae Variant Classification Sherloc (09022015). Collection method: clinical testing. Allele origin: germline.
Comment: For these reasons, this variant has been classified as Pathogenic. This variant has not been reported in the literature in individuals with FAM161A-related conditions. This variant is not present in population databases (ExAC no frequency). This sequence change creates a premature translational stop signal (p.Ile88Phefs*12) in the FAM161A gene. It is expected to result in an absent or disrupted protein product. Loss-of-function variants in FAM161A are known to be pathogenic (PMID: 20705278, 20705279, 24651477).

Literature cited by the submitters: PubMed 20705278; PubMed 20705279; PubMed 24651477.